The following is an entry in ClinVar:

ClinVar aggregate classification (germline): Uncertain significance (1 of 4 stars; one submission).

Conditions:
Emery-Dreifuss muscular dystrophy 5, autosomal dominant (EDMD5). Also called: EMERY-DREIFUSS MUSCULAR DYSTROPHY 5. Identifiers: Orphanet 261, MedGen C2751805, MONDO:0013072, OMIM 612999.

gnomAD v4.1: 8 of 1,613,758 alleles (0.0005%); highest among the groups gnomAD compares: African/African-American, 0.0093%; no homozygotes.

Submission:

Labcorp Genetics (formerly Invitae), Labcorp
Classification: Uncertain significance for Emery-Dreifuss muscular dystrophy 5, autosomal dominant. Last evaluated: 2025-01-24. Review status: criteria provided, single submitter. Criteria: Invitae Variant Classification Sherloc (09022015). Collection method: clinical testing. Allele origin: germline.
Comment: This sequence change replaces leucine, which is neutral and non-polar, with isoleucine, which is neutral and non-polar, at codon 3097 of the SYNE2 protein (p.Leu3097Ile). This variant is present in population databases (rs373557670, gnomAD 0.01%). This variant has not been reported in the literature in individuals affected with SYNE2-related conditions. An algorithm developed to predict the effect of missense changes on protein structure and function (PolyPhen-2) suggests that this variant is likely to be tolerated. In summary, the available evidence is currently insufficient to determine the role of this variant in disease. Therefore, it has been classified as a Variant of Uncertain Significance.

NM_182914.3(SYNE2):c.9289T>A (p.Leu3097Ile)

Gene: SYNE2 (spectrin repeat containing nuclear envelope protein 2; plus strand). Cytogenetic location: 14q23.2.
Variant type: single nucleotide variant.
Coding change: c.9289T>A on transcript NM_182914.3 (MANE Select); coding-DNA position 9289, T replaced by A.
Protein change: p.Leu3097Ile; replaces leucine 3097 with isoleucine.
Molecular consequence: missense variant.
Genome position (GRCh38, 1-based): chr14:64,053,202, T>A. VCF-style: chr14-64053202-T-A. GRCh37 (hg19) VCF-style: chr14-64519920-T-A.
Other names: c.9289T>A, p.Leu3097Ile (NM_015180.6); short protein forms L3097I.
Identifiers: ClinVar variation 3631297 (VCV003631297.2).